The following is an entry in ClinVar:

ClinVar aggregate classification (germline): Benign/Likely benign. Review status: criteria provided, multiple submitters, no conflicts (2 of 4 stars). 6 submissions from 6 submitters: Benign (2); Likely benign (4). Last evaluated 2026-04-14.

Conditions:
Birt-Hogg-Dube syndrome 1 (BHD1). Also called: FIBROFOLLICULOMAS WITH TRICHODISCOMAS AND ACROCHORDONS. Identifiers: Orphanet 122, MedGen CN375946, MONDO:0800445, OMIM 135150.
FLCN-related disorder. Also called: FLCN-related condition.
Hereditary cancer-predisposing syndrome. Also called: Neoplastic Syndromes, Hereditary; Hereditary Cancer Syndrome; Tumor predisposition; Hereditary neoplastic syndrome. Identifiers: Orphanet 140162, MedGen C0027672, MeSH D009386, MONDO:0015356.
Birt-Hogg-Dube syndrome. Also called: Birt Hogg Dubé syndrome. Identifiers: Orphanet 122, MedGen C0346010, MONDO:0800444.

Allele frequency attached by ClinVar (database versions not stated): ExAC 0.00002; gnomAD 0.00002 and 0.00003; TOPMed 0.00003; gnomAD exomes 0.00004; ESP Exome Variant Server 0.00015.
gnomAD v4.1: 79 of 1,614,016 alleles (0.0049%); highest among the groups gnomAD compares: Non-Finnish European, 0.0056%; 1 homozygote.

Submissions (6):

PreventionGenetics, part of Exact Sciences
Classification: Likely benign for FLCN-related condition. Last evaluated: 2026-04-14. Review status: criteria provided, single submitter. Criteria: ACMG Guidelines, 2015. Collection method: clinical testing. Allele origin: germline.
Comment: This variant is classified as likely benign based on ACMG/AMP sequence variant interpretation guidelines (Richards et al. 2015 PMID: 25741868, with internal and published modifications).

Labcorp Genetics (formerly Invitae), Labcorp
Classification: Likely benign for Birt-Hogg-Dube syndrome. Last evaluated: 2026-01-21. Review status: criteria provided, single submitter. Criteria: Invitae Variant Classification Sherloc (09022015). Collection method: clinical testing. Allele origin: germline.

Myriad Genetics, Inc.
Classification: Benign for Birt-Hogg-Dube syndrome 1. Last evaluated: 2024-10-22. Review status: criteria provided, single submitter. Criteria: Myriad Autosomal Dominant, Autosomal Recessive and X-Linked Classification Criteria (2023). Collection method: clinical testing. Allele origin: unknown.
Comment: This variant is considered benign. This variant is a silent/synonymous amino acid change and it is not expected to impact splicing.

Blueprint Genetics
Classification: Likely benign. Last evaluated: 2023-10-31. Review status: criteria provided, single submitter. Criteria: ACMG Guidelines, 2015. Collection method: clinical testing. Allele origin: germline.

Quest Diagnostics Nichols Institute San Juan Capistrano
Classification: Benign. Last evaluated: 2022-08-01. Review status: criteria provided, single submitter. Criteria: Quest Diagnostics criteria. Collection method: clinical testing. Allele origin: unknown.

Ambry Genetics
Classification: Likely benign for Hereditary cancer-predisposing syndrome. Last evaluated: 2016-10-31. Review status: criteria provided, single submitter. Criteria: Ambry Variant Classification Scheme 2023. Collection method: clinical testing. Allele origin: germline.

NM_144997.7(FLCN):c.279G>A (p.Pro93=)

Gene: FLCN (folliculin; minus strand). Cytogenetic location: 17p11.2.
Variant type: single nucleotide variant.
Coding change: c.279G>A on transcript NM_144997.7 (MANE Select); coding-DNA position 279, G replaced by A.
Protein change: p.Pro93=; no amino-acid change (proline 93 retained).
Molecular consequence: synonymous variant.
Genome position (GRCh38, 1-based): chr17:17,226,293, C>T on the plus strand (G>A on the coding strand, the complement: FLCN is on the minus strand). VCF-style: chr17-17226293-C-T. GRCh37 (hg19) VCF-style: chr17-17129607-C-T.
Other names: c.279G>A, p.Pro93= (NM_001353229.2, NM_001353230.2, NM_001353231.2 and 1 more transcripts); c.279G>A (NM_144997.6, LRG_325t1).
Identifiers: ClinVar variation 485584 (VCV000485584.19), dbSNP rs138688941, ClinGen allele CA8416458.